The following is an entry in ClinVar:

ClinVar aggregate classification (germline): Benign. Review status: criteria provided, multiple submitters, no conflicts (2 of 4 stars). 2 submissions from 2 submitters: Benign (2). Last evaluated 2018-06-14.

Allele frequency attached by ClinVar (database versions not stated): gnomAD 0.82924 and 0.83102; TOPMed 0.84296; 1000 Genomes Project 0.85942; 1000 Genomes Project 30x 0.86227.

Submissions (2):

GeneDx
Classification: Benign. Last evaluated: 2018-06-14. Review status: criteria provided, single submitter. Criteria: GeneDx Variant Classification (06012015). Collection method: clinical testing. Allele origin: germline. Affected: yes.
Comment: This variant is considered likely benign or benign based on one or more of the following criteria: it is a conservative change, it occurs at a poorly conserved position in the protein, it is predicted to be benign by multiple in silico algorithms, and/or has population frequency not consistent with disease.

Breakthrough Genomics
Classification: Benign. Review status: criteria provided, single submitter. Criteria: ACMG Guidelines, 2015. Collection method: not provided. Allele origin: germline. Inheritance: Autosomal recessive inheritance. Affected: yes.

NM_000182.5(HADHA):c.1886-136T>C

Genes: GAREM2 (GRB2 associated regulator of MAPK1 subtype 2; plus strand), HADHA (hydroxyacyl-CoA dehydrogenase trifunctional multienzyme complex subunit alpha; minus strand). Cytogenetic location: 2p23.3.
Variant type: single nucleotide variant.
Coding change: c.1886-136T>C on transcript NM_000182.5 (MANE Select); 136 bases into the intron before coding-DNA position 1886, T replaced by C.
Molecular consequence: intron variant.
Genome position (GRCh38, 1-based): chr2:26,192,560, A>G on the plus strand (T>C on the coding strand, the complement: HADHA is on the minus strand). VCF-style: chr2-26192560-A-G. GRCh37 (hg19) VCF-style: chr2-26415429-A-G.
Identifiers: ClinVar variation 676137 (VCV000676137.2), dbSNP rs5001914, ClinGen allele CA11004379.